The following is an entry in ClinVar:

NM_000264.5(PTCH1):c.2311G>C (p.Val771Leu)

Genes: PTCH1 (patched 1; minus strand), LOC100507346 (uncharacterized LOC100507346; plus strand). Cytogenetic location: 9q22.32.
Variant type: single nucleotide variant.
Coding change: c.2311G>C on transcript NM_000264.5 (MANE Select); coding-DNA position 2311, G replaced by C.
Protein change: p.Val771Leu; replaces valine 771 with leucine.
Molecular consequence: missense variant. On other transcripts: non-coding transcript variant (1).
Genome position (GRCh38, 1-based): chr9:95,467,365, C>G on the plus strand (G>C on the coding strand, the complement: PTCH1 is on the minus strand). VCF-style: chr9-95467365-C-G. GRCh37 (hg19) VCF-style: chr9-98229647-C-G.
Other names: c.2113G>C, p.Val705Leu (NM_001083602.3); c.2308G>C, p.Val770Leu (NM_001083603.3); c.1858G>C, p.Val620Leu (NM_001083604.3, NM_001083605.3, NM_001083606.3 and 1 more transcripts); c.2155G>C, p.Val719Leu (NM_001354918.2); short protein forms V771L, V770L, V620L, V719L, V705L.
Identifiers: ClinVar variation 5027505 (VCV005027505.1).

ClinVar aggregate classification (germline): Uncertain significance (1 of 4 stars; one submission).

Conditions:
Hereditary cancer-predisposing syndrome. Also called: Neoplastic Syndromes, Hereditary; Tumor predisposition; Hereditary neoplastic syndrome; Hereditary Cancer Syndrome. Identifiers: Orphanet 140162, MedGen C0027672, MeSH D009386, MONDO:0015356.

gnomAD v4.1: 1 of 1,614,230 alleles (0.000062%); highest among the groups gnomAD compares: African/African-American, 0.0013%; no homozygotes.

Submission:

Ambry Genetics
Classification: Uncertain significance for Hereditary cancer-predisposing syndrome. Last evaluated: 2026-07-07. Review status: criteria provided, single submitter. Criteria: Ambry Variant Classification Scheme 2023. Collection method: clinical testing. Allele origin: germline.
Comment: The p.V705L variant (also known as c.2113G>C), located in coding exon 15 of the PTCH1 gene, results from a G to C substitution at nucleotide position 2113. The valine at codon 705 is replaced by leucine, an amino acid with highly similar properties. This amino acid position is conserved. In addition, the in silico prediction for this alteration is inconclusive. Based on the available evidence, the clinical significance of this variant remains unclear.